The following is an entry in ClinVar:

NM_004646.4(NPHS1):c.274+2T>A

Genes: KIRREL2 (kirre like nephrin family adhesion molecule 2; plus strand), NPHS1 (NPHS1 adhesion molecule, nephrin; minus strand). Cytogenetic location: 19q13.12.
Variant type: single nucleotide variant.
Coding change: c.274+2T>A on transcript NM_004646.4 (MANE Select); the canonical splice donor site of the intron after coding-DNA position 274, T replaced by A.
Molecular consequence: splice donor variant.
Genome position (GRCh38, 1-based): chr19:35,851,455, A>T on the plus strand (T>A on the coding strand, the complement: NPHS1 is on the minus strand). VCF-style: chr19-35851455-A-T. GRCh37 (hg19) VCF-style: chr19-36342357-A-T.
Identifiers: ClinVar variation 2109301 (VCV002109301.4), dbSNP rs2513785558, ClinGen allele CA405411236.

ClinVar aggregate classification (germline): Likely pathogenic (1 of 4 stars; one submission).

Submission:

Labcorp Genetics (formerly Invitae), Labcorp
Classification: Likely pathogenic. Last evaluated: 2022-03-11. Review status: criteria provided, single submitter. Criteria: Invitae Variant Classification Sherloc (09022015). Collection method: clinical testing. Allele origin: germline.
Comment: In summary, the currently available evidence indicates that the variant is pathogenic, but additional data are needed to prove that conclusively. Therefore, this variant has been classified as Likely Pathogenic. Algorithms developed to predict the effect of sequence changes on RNA splicing suggest that this variant may disrupt the consensus splice site. This variant has not been reported in the literature in individuals affected with NPHS1-related conditions. This variant is not present in population databases (gnomAD no frequency). This sequence change affects a donor splice site in intron 2 of the NPHS1 gene. It is expected to disrupt RNA splicing. Variants that disrupt the donor or acceptor splice site typically lead to a loss of protein function (PMID: 16199547), and loss-of-function variants in NPHS1 are known to be pathogenic (PMID: 11317351, 11854170, 12039988).

Literature cited by the submitters: PubMed 16199547; PubMed 11317351; PubMed 11854170; PubMed 12039988.